The following is an entry in ClinVar:

NM_000069.3(CACNA1S):c.5371-3C>T

Gene: CACNA1S (calcium voltage-gated channel subunit alpha1 S; minus strand). Cytogenetic location: 1q32.1.
Variant type: single nucleotide variant.
Coding change: c.5371-3C>T on transcript NM_000069.3 (MANE Select); 3 bases into the intron before coding-DNA position 5371, C replaced by T.
Molecular consequence: intron variant.
Genome position (GRCh38, 1-based): chr1:201,040,085, G>A on the plus strand (C>T on the coding strand, the complement: CACNA1S is on the minus strand). VCF-style: chr1-201040085-G-A. GRCh37 (hg19) VCF-style: chr1-201009213-G-A.
Identifiers: ClinVar variation 1922903 (VCV001922903.5), dbSNP rs774557359, ClinGen allele CA1219569022.

ClinVar aggregate classification (germline): Uncertain significance (1 of 4 stars; one submission).

Conditions:
Hypokalemic periodic paralysis, type 1. Also called: Hypokalemic Periodic Paralysis Type 1 (AD); HypoPP. Identifiers: Orphanet 681, MedGen C3714580, MONDO:0042979, OMIM 170400.
Malignant hyperthermia, susceptibility to, 5 (MHS5). Also called: CACNA1S-Related Malignant Hyperthermia Susceptibility. Identifiers: Orphanet 423, MedGen C1866077, MONDO:0011163, OMIM 601887.

Allele frequency attached by ClinVar (database versions not stated): TOPMed 0.00001.
gnomAD v4.1: 1 of 1,614,176 alleles (0.000062%); highest among the groups gnomAD compares: South Asian, 0.0011%; no homozygotes.

Submission:

Labcorp Genetics (formerly Invitae), Labcorp
Classification: Uncertain significance for Hypokalemic periodic paralysis, type 1; Malignant hyperthermia, susceptibility to, 5. Last evaluated: 2022-05-18. Review status: criteria provided, single submitter. Criteria: Invitae Variant Classification Sherloc (09022015). Collection method: clinical testing. Allele origin: germline.
Comment: In summary, the available evidence is currently insufficient to determine the role of this variant in disease. Therefore, it has been classified as a Variant of Uncertain Significance. Variants that disrupt the consensus splice site are a relatively common cause of aberrant splicing (PMID: 17576681, 9536098). Algorithms developed to predict the effect of sequence changes on RNA splicing suggest that this variant is not likely to affect RNA splicing. This variant has not been reported in the literature in individuals affected with CACNA1S-related conditions. This variant is not present in population databases (gnomAD no frequency). This sequence change falls in intron 43 of the CACNA1S gene. It does not directly change the encoded amino acid sequence of the CACNA1S protein. It affects a nucleotide within the consensus splice site.

Literature cited by the submitters: PubMed 17576681; PubMed 9536098.